The following is an entry in ClinVar:

NM_005732.4(RAD50):c.2123C>T (p.Ala708Val)

Gene: RAD50 (RAD50 double strand break repair protein; plus strand). Cytogenetic location: 5q31.1.
Variant type: single nucleotide variant.
Coding change: c.2123C>T on transcript NM_005732.4 (MANE Select); coding-DNA position 2123, C replaced by T.
Protein change: p.Ala708Val; replaces alanine 708 with valine.
Molecular consequence: missense variant.
Genome position (GRCh38, 1-based): chr5:132,595,726, C>T. VCF-style: chr5-132595726-C-T. GRCh37 (hg19) VCF-style: chr5-131931418-C-T.
Other names: short protein forms A708V.
Identifiers: ClinVar variation 947565 (VCV000947565.12), dbSNP rs1035533874, ClinGen allele CA360950236.

ClinVar aggregate classification (germline): Uncertain significance. Review status: criteria provided, multiple submitters, no conflicts (2 of 4 stars). 2 submissions from 2 submitters: Uncertain significance (2). Last evaluated 2025-01-10.

Conditions:
Hereditary cancer-predisposing syndrome. Also called: Hereditary neoplastic syndrome; Neoplastic Syndromes, Hereditary; Tumor predisposition; Hereditary Cancer Syndrome. Identifiers: Orphanet 140162, MedGen C0027672, MeSH D009386, MONDO:0015356.

gnomAD v4.1: 1 of 1,613,870 alleles (0.000062%); highest among the groups gnomAD compares: Middle Eastern, 0.017%; no homozygotes.

Submissions (2):

Ambry Genetics
Classification: Uncertain significance for Hereditary cancer-predisposing syndrome. Last evaluated: 2025-01-10. Review status: criteria provided, single submitter. Criteria: Ambry Variant Classification Scheme 2023. Collection method: clinical testing. Allele origin: germline.
Comment: The p.A708V variant (also known as c.2123C>T), located in coding exon 13 of the RAD50 gene, results from a C to T substitution at nucleotide position 2123. The alanine at codon 708 is replaced by valine, an amino acid with similar properties. This amino acid position is conserved. In addition, this alteration is predicted to be tolerated by in silico analysis. Since supporting evidence is limited at this time, the clinical significance of this alteration remains unclear.

Labcorp Genetics (formerly Invitae), Labcorp
Classification: Uncertain significance for Hereditary cancer-predisposing syndrome. Last evaluated: 2024-05-22. Review status: criteria provided, single submitter. Criteria: Invitae Variant Classification Sherloc (09022015). Collection method: clinical testing. Allele origin: germline.
Comment: This sequence change replaces alanine, which is neutral and non-polar, with valine, which is neutral and non-polar, at codon 708 of the RAD50 protein (p.Ala708Val). This variant is not present in population databases (gnomAD no frequency). This variant has not been reported in the literature in individuals affected with RAD50-related conditions. ClinVar contains an entry for this variant (Variation ID: 947565). Advanced modeling of protein sequence and biophysical properties (such as structural, functional, and spatial information, amino acid conservation, physicochemical variation, residue mobility, and thermodynamic stability) performed at Invitae indicates that this missense variant is not expected to disrupt RAD50 protein function with a negative predictive value of 80%. In summary, the available evidence is currently insufficient to determine the role of this variant in disease. Therefore, it has been classified as a Variant of Uncertain Significance.